The following is an entry in ClinVar:

ClinVar aggregate classification (germline): Uncertain significance (1 of 4 stars; one submission).

Conditions:
Hereditary cancer-predisposing syndrome. Also called: Tumor predisposition; Hereditary neoplastic syndrome; Hereditary Cancer Syndrome; Neoplastic Syndromes, Hereditary. Identifiers: Orphanet 140162, MedGen C0027672, MeSH D009386, MONDO:0015356.

Submission:

Ambry Genetics
Classification: Uncertain significance for Hereditary cancer-predisposing syndrome. Last evaluated: 2026-06-12. Review status: criteria provided, single submitter. Criteria: Ambry Variant Classification Scheme 2023. Collection method: clinical testing. Allele origin: germline.
Comment: The p.Q2874L variant (also known as c.8621A>T), located in coding exon 58 of the ATM gene, results from an A to T substitution at nucleotide position 8621. The glutamine at codon 2874 is replaced by leucine, an amino acid with dissimilar properties. In an assay testing ATM function, this variant showed a functionally normal result (Lee KS et al. Cell, 2025 Sep;188:5081-5099.e27). This amino acid position is highly conserved in available vertebrate species. In addition, the in silico prediction for this alteration is inconclusive. Based on the available evidence, the clinical significance of this variant remains unclear.

Literature cited by the submitters: PubMed 40580951.

NM_000051.4(ATM):c.8621A>T (p.Gln2874Leu)

Genes: ATM (ATM serine/threonine kinase; plus strand), C11orf65 (chromosome 11 open reading frame 65; minus strand). Cytogenetic location: 11q22.3.
Variant type: single nucleotide variant.
Coding change: c.8621A>T on transcript NM_000051.4 (MANE Select); coding-DNA position 8621, A replaced by T.
Protein change: p.Gln2874Leu; replaces glutamine 2874 with leucine.
Molecular consequence: missense variant. On other transcripts: intron variant (2).
Genome position (GRCh38, 1-based): chr11:108,347,315, A>T. VCF-style: chr11-108347315-A-T. GRCh37 (hg19) VCF-style: chr11-108218042-A-T.
Other names: c.8621A>T, p.Gln2874Leu (NM_001351834.2); c.641-38244T>A (NM_001330368.2); c.695-12023T>A (NM_001351110.2); short protein forms Q2874L.
Identifiers: ClinVar variation 4867102 (VCV004867102.1).
Genomic context (GRCh38, chr11:108,347,315, plus strand): 5'-ATTGTTTGTTTCTTTTTTCTCCAGTTGGTTACATACTTGGACTTGGTGATAGACATGTAC[A>T]GAATATCTTGATAAATGAGCAGTCAGCAGAACTTGTACATATAGATCTAGGTAAGTAATA-3'
Protein context (NP_000042.3, residues 2864-2884): YILGLGDRHV[Gln2874Leu]NILINEQSAE